The following is an entry in ClinVar:

NM_005639.3(SYT1):c.412A>G (p.Lys138Glu)

Gene: SYT1 (synaptotagmin 1; plus strand). Cytogenetic location: 12q21.2.
Variant type: single nucleotide variant.
Coding change: c.412A>G on transcript NM_005639.3 (MANE Select); coding-DNA position 412, A replaced by G.
Protein change: p.Lys138Glu; replaces lysine 138 with glutamic acid.
Molecular consequence: missense variant.
Genome position (GRCh38, 1-based): chr12:79,292,068, A>G. VCF-style: chr12-79292068-A-G. GRCh37 (hg19) VCF-style: chr12-79685848-A-G.
Other names: c.412A>G, p.Lys138Glu (NM_001415939.1, NM_001415940.1, NM_001135805.2 and 2 more transcripts); c.403A>G, p.Lys135Glu (NM_001415941.1, NM_001415942.1, NM_001415943.1 and 1 more transcripts); short protein forms K135E, K138E.
Identifiers: ClinVar variation 3900404 (VCV003900404.2).
Genomic context (GRCh38, chr12:79,292,068, plus strand): 5'-GCCCTCAAGGATGATGATGCTGAAACTGGATTGACAGATGGAGAAGAAAAAGAAGAACCC[A>G]AAGAAGAGGAGAAACTGGGAAAACTTCAGTATTCACTGGATTATGATTTCCAAAATAACC-3'
Protein context (NP_005630.1, residues 128-148): LTDGEEKEEP[Lys138Glu]EEEKLGKLQY

ClinVar aggregate classification (germline): Uncertain significance (1 of 4 stars; one submission).

Submission:

GeneDx
Classification: Uncertain significance. Last evaluated: 2026-04-22. Review status: criteria provided, single submitter. Criteria: GeneDx Variant Classification Process June 2021. Collection method: clinical testing. Allele origin: germline.
Comment: Not observed at significant frequency in large population cohorts (gnomAD); In silico analysis suggests that this missense variant does not alter protein structure/function; Has not been previously published as pathogenic or benign to our knowledge